The following is an entry in ClinVar:

ClinVar aggregate classification (germline): Uncertain significance (1 of 4 stars; one submission).

Conditions:
Inborn genetic diseases. Identifiers: MedGen C0950123, MeSH D030342.

Allele frequency attached by ClinVar (database versions not stated): TOPMed below 0.00001.
gnomAD v4.1: 1 of 1,610,616 alleles (0.000062%); highest among the groups gnomAD compares: Non-Finnish European, 0.000085%; no homozygotes.

Submission:

Ambry Genetics
Classification: Uncertain significance for Inborn genetic diseases. Last evaluated: 2020-02-19. Review status: criteria provided, single submitter. Criteria: Ambry Variant Classification Scheme 2023. Collection method: clinical testing. Allele origin: germline.
Comment: The c.1418+4A>G intronic variant results from an A to G substitution 4 nucleotides after coding exon 9 in the IGHMBP2 gene. This nucleotide position is well conserved in available vertebrate species. Using the BDGP and ESEfinder splice site prediction tools, this alteration is predicted to weaken the efficiency of the native splice donor site; however, direct evidence is unavailable. Since supporting evidence is limited at this time, the clinical significance of this alteration remains unclear.

NM_002180.3(IGHMBP2):c.1418+4A>G

Gene: IGHMBP2 (immunoglobulin mu DNA binding protein 2; plus strand). Cytogenetic location: 11q13.3.
Variant type: single nucleotide variant.
Coding change: c.1418+4A>G on transcript NM_002180.3 (MANE Select); 4 bases into the intron after coding-DNA position 1418, A replaced by G.
Molecular consequence: intron variant.
Genome position (GRCh38, 1-based): chr11:68,933,485, A>G. VCF-style: chr11-68933485-A-G. GRCh37 (hg19) VCF-style: chr11-68700953-A-G.
Identifiers: ClinVar variation 1772166 (VCV001772166.2), dbSNP rs199517937, ClinGen allele CA223408694.
Genomic context (GRCh38, chr11:68,933,485, plus strand): 5'-CACCATGTACCTTGGGCAGCTCACAGCCCACTCTTCCGTGGCAAGGCACCTCCTGAGGTG[A>G]GTAGCTCGGCACCACCCGCCGCCCCATCCTTCTGCCCTGGCTAATCCTCTGCGTCACCTG-3'